The following is an entry in ClinVar:

ClinVar aggregate classification (germline): Uncertain significance (1 of 4 stars; one submission).

Conditions:
Autoimmune lymphoproliferative syndrome, type III caused by mutation in PRKCD. Identifiers: Orphanet 3261, Orphanet 664711, MedGen C3809928, MONDO:8000024, OMIM 615559.

Submission:

Labcorp Genetics (formerly Invitae), Labcorp
Classification: Uncertain significance for Autoimmune lymphoproliferative syndrome, type III caused by mutation in PRKCD. Last evaluated: 2025-08-23. Review status: criteria provided, single submitter. Criteria: Invitae Variant Classification Sherloc (09022015). Collection method: clinical testing. Allele origin: germline.
Comment: This sequence change replaces serine, which is neutral and polar, with asparagine, which is neutral and polar, at codon 240 of the PRKCD protein (p.Ser240Asn). This variant is not present in population databases (gnomAD no frequency). This variant has not been reported in the literature in individuals affected with PRKCD-related conditions. An algorithm developed to predict the effect of missense changes on protein structure and function (PolyPhen-2) suggests that this variant is likely to be disruptive. In summary, the available evidence is currently insufficient to determine the role of this variant in disease. Therefore, it has been classified as a Variant of Uncertain Significance.

NM_006254.4(PRKCD):c.719G>A (p.Ser240Asn)

Gene: PRKCD (protein kinase C delta; plus strand). Cytogenetic location: 3p21.1.
Variant type: single nucleotide variant.
Coding change: c.719G>A on transcript NM_006254.4 (MANE Select); coding-DNA position 719, G replaced by A.
Protein change: p.Ser240Asn; replaces serine 240 with asparagine.
Molecular consequence: missense variant.
Genome position (GRCh38, 1-based): chr3:53,183,513, G>A. VCF-style: chr3-53183513-G-A. GRCh37 (hg19) VCF-style: chr3-53217529-G-A.
Other names: c.719G>A, p.Ser240Asn (NM_001316327.2, NM_001354679.2, NM_001354680.2 and 1 more transcripts); c.776G>A, p.Ser259Asn (NM_001354676.2); c.767G>A, p.Ser256Asn (NM_001354678.2); short protein forms S240N, S256N, S259N.
Identifiers: ClinVar variation 4796996 (VCV004796996.1).